The following is an entry in ClinVar:

ClinVar aggregate classification (germline): Likely pathogenic (1 of 4 stars; one submission).

Submission:

CeGaT Center for Human Genetics Tuebingen
Classification: Likely pathogenic. Last evaluated: 2025-05-01. Review status: criteria provided, single submitter. Criteria: CeGaT Center For Human Genetics Tuebingen Variant Classification Criteria Version 2. Collection method: clinical testing. Allele origin: germline. Affected: yes. Observed: 1 variant allele.
Comment: FANCA: PVS1:Strong, PM2

NM_000135.4(FANCA):c.1553_1566+2del

Gene: FANCA (FA complementation group A; minus strand). Cytogenetic location: 16q24.3.
Variant type: Deletion.
Coding change: c.1553_1566+2del on transcript NM_000135.4 (MANE Select); coding-DNA position 1553 through the canonical splice donor site of the intron after coding-DNA position 1566, 16 bases deleted (TGGCCGACCTCAAGGC).
Molecular consequence: splice donor variant.
Genome position (GRCh38, 1-based): chr16:89,783,005-89,783,020, GCCTTGAGGTCGGCCA deleted on the plus strand (TGGCCGACCTCAAGGC on the coding strand, the reverse complement: FANCA is on the minus strand); deleting any 16 consecutive bases within chr16:89,783,005-89,783,023 gives the same sequence; the c. name uses the placement nearest the transcript's 3' end. VCF-style (leftmost placement, unchanged base first): chr16-89783004-TGCCTTGAGGTCGGCCA-T. GRCh37 (hg19) VCF-style: chr16-89849412-TGCCTTGAGGTCGGCCA-T.
Other names: c.1553_1566+2del (NM_001286167.3).
Identifiers: ClinVar variation 3905820 (VCV003905820.10).